The following is an entry in ClinVar:

NM_001848.3(COL6A1):c.604A>G (p.Ile202Val)

Gene: COL6A1 (collagen type VI alpha 1 chain; plus strand). Cytogenetic location: 21q22.3.
Variant type: single nucleotide variant.
Coding change: c.604A>G on transcript NM_001848.3 (MANE Select); coding-DNA position 604, A replaced by G.
Protein change: p.Ile202Val; replaces isoleucine 202 with valine.
Molecular consequence: missense variant.
Genome position (GRCh38, 1-based): chr21:45,986,959, A>G. VCF-style: chr21-45986959-A-G. GRCh37 (hg19) VCF-style: chr21-47406873-A-G.
Other names: short protein forms I202V.
Identifiers: ClinVar variation 2142426 (VCV002142426.7), dbSNP rs1458430503, ClinGen allele CA410518426.
Genomic context (GRCh38, chr21:45,986,959, plus strand): 5'-CAGGGGTCCCAGCCCTGCTCAGCCCACCCTGAACACTGCCCCCAGGAGCCGCGTCTGAGC[A>G]TCATCGCCACGGACCACACGTACCGGCGCAACTTCACGGCGGCTGACTGGGGCCAGAGCC-3'
Protein context (NP_001839.2, residues 192-212): TPDHLEPRLS[Ile202Val]IATDHTYRRN

ClinVar aggregate classification (germline): Uncertain significance. Review status: criteria provided, multiple submitters, no conflicts (2 of 4 stars). 2 submissions from 2 submitters: Uncertain significance (2). Last evaluated 2022-01-11.

Conditions:
Bethlem myopathy 1A. Also called: Bethlem Muscular Dystrophy; Bethlem myopathy 1; MYOPATHY, BENIGN CONGENITAL, WITH CONTRACTURES. Identifiers: Orphanet 610, MedGen CN029274, MONDO:0024530, OMIM 158810.

Allele frequency attached by ClinVar (database versions not stated): TOPMed below 0.00001; gnomAD 0.00001; gnomAD exomes 0.00001.
gnomAD v4.1: 10 of 1,551,962 alleles (0.00064%); highest among the groups gnomAD compares: African/African-American, 0.0014%; no homozygotes.

Submissions (2):

Labcorp Genetics (formerly Invitae), Labcorp
Classification: Uncertain significance for Bethlem myopathy 1A. Last evaluated: 2022-01-11. Review status: criteria provided, single submitter. Criteria: Invitae Variant Classification Sherloc (09022015). Collection method: clinical testing. Allele origin: germline.
Comment: In summary, the available evidence is currently insufficient to determine the role of this variant in disease. Therefore, it has been classified as a Variant of Uncertain Significance. Advanced modeling of protein sequence and biophysical properties (such as structural, functional, and spatial information, amino acid conservation, physicochemical variation, residue mobility, and thermodynamic stability) performed at Invitae indicates that this missense variant is not expected to disrupt COL6A1 protein function. This variant has not been reported in the literature in individuals affected with COL6A1-related conditions. This variant is not present in population databases (gnomAD no frequency). This sequence change replaces isoleucine, which is neutral and non-polar, with valine, which is neutral and non-polar, at codon 202 of the COL6A1 protein (p.Ile202Val).

Revvity Omics, Revvity
Classification: Uncertain significance. Last evaluated: 2022-01-04. Review status: criteria provided, single submitter. Criteria: ACMG Guidelines, 2015. Collection method: clinical testing. Allele origin: germline.